The following is an entry in ClinVar:

NM_001349338.3(FOXP1):c.1740T>G (p.Asn580Lys)

Gene: FOXP1 (forkhead box P1; minus strand). Cytogenetic location: 3p13.
Variant type: single nucleotide variant.
Coding change: c.1740T>G on transcript NM_001349338.3 (MANE Select); coding-DNA position 1740, T replaced by G.
Protein change: p.Asn580Lys; replaces asparagine 580 with lysine.
Molecular consequence: missense variant. On other transcripts: non-coding transcript variant (2).
Genome position (GRCh38, 1-based): chr3:70,966,039, A>C on the plus strand (T>G on the coding strand, the complement: FOXP1 is on the minus strand). VCF-style: chr3-70966039-A-C. GRCh37 (hg19) VCF-style: chr3-71015190-A-C.
Other names: c.1737T>G, p.Asn579Lys (NM_001244808.3, NM_001349341.3); c.1788T>G, p.Asn596Lys (NM_001244810.2); c.1512T>G, p.Asn504Lys (NM_001244812.3); c.1440T>G, p.Asn480Lys (NM_001244813.3, NM_001244815.2, NM_001349342.3); c.1740T>G, p.Asn580Lys (NM_001244814.3, NM_001244816.2, NM_001349340.3 and 1 more transcripts); c.1437T>G, p.Asn479Lys (NM_001349337.2, NM_001349343.3, NM_001349344.3 and 1 more transcripts); short protein forms N579K, N580K, N596K, N480K, N504K, N479K.
Identifiers: ClinVar variation 4713151 (VCV004713151.1).

ClinVar aggregate classification (germline): Uncertain significance (1 of 4 stars; one submission).

Submission:

Labcorp Genetics (formerly Invitae), Labcorp
Classification: Uncertain significance. Last evaluated: 2025-06-22. Review status: criteria provided, single submitter. Criteria: Invitae Variant Classification Sherloc (09022015). Collection method: clinical testing. Allele origin: germline.
Comment: This sequence change replaces asparagine, which is neutral and polar, with lysine, which is basic and polar, at codon 580 of the FOXP1 protein (p.Asn580Lys). This variant is not present in population databases (gnomAD no frequency). This variant has not been reported in the literature in individuals affected with FOXP1-related conditions. Invitae Evidence Modeling of protein sequence and biophysical properties (such as structural, functional, and spatial information, amino acid conservation, physicochemical variation, residue mobility, and thermodynamic stability) indicates that this missense variant is not expected to disrupt FOXP1 protein function with a negative predictive value of 80%. In summary, the available evidence is currently insufficient to determine the role of this variant in disease. Therefore, it has been classified as a Variant of Uncertain Significance.